The following is an entry in ClinVar:

ClinVar aggregate classification (germline): Uncertain significance (1 of 4 stars; one submission).

Conditions:
Baller-Gerold syndrome (BGS). Also called: CRANIOSYNOSTOSIS WITH RADIAL DEFECTS. Identifiers: Orphanet 1225, MedGen C0265308, MONDO:0009039, OMIM 218600.

Allele frequency attached by ClinVar (database versions not stated): gnomAD exomes below 0.00001.

Submission:

Labcorp Genetics (formerly Invitae), Labcorp
Classification: Uncertain significance for Baller-Gerold syndrome. Last evaluated: 2020-03-03. Review status: criteria provided, single submitter. Criteria: Invitae Variant Classification Sherloc (09022015). Collection method: clinical testing. Allele origin: germline.
Comment: In summary, the available evidence is currently insufficient to determine the role of this variant in disease. Therefore, it has been classified as a Variant of Uncertain Significance. Experimental studies and prediction algorithms are not available or were not evaluated, and the functional significance of this variant is currently unknown. The valine amino acid residue is found in multiple mammalian species, suggesting that this missense change does not adversely affect protein function. These predictions have not been confirmed by published functional studies and their clinical significance is uncertain. This variant has not been reported in the literature in individuals with RECQL4-related conditions. This variant is not present in population databases (ExAC no frequency). This sequence change replaces aspartic acid with valine at codon 1137 of the RECQL4 protein (p.Asp1137Val). The aspartic acid residue is highly conserved and there is a large physicochemical difference between aspartic acid and valine.

NM_004260.4(RECQL4):c.3410A>T (p.Asp1137Val)

Gene: RECQL4 (RecQ like helicase 4; minus strand). Cytogenetic location: 8q24.3.
Variant type: single nucleotide variant.
Coding change: c.3410A>T on transcript NM_004260.4 (MANE Select); coding-DNA position 3410, A replaced by T.
Protein change: p.Asp1137Val; replaces aspartic acid 1137 with valine.
Molecular consequence: missense variant.
Genome position (GRCh38, 1-based): chr8:144,511,773, T>A on the plus strand (A>T on the coding strand, the complement: RECQL4 is on the minus strand). VCF-style: chr8-144511773-T-A. GRCh37 (hg19) VCF-style: chr8-145737156-T-A.
Other names: short protein forms D1137V.
Identifiers: ClinVar variation 1012096 (VCV001012096.3), dbSNP rs950715422, ClinGen allele CA372667502.